The following is an entry in ClinVar:

ClinVar aggregate classification (germline): Likely benign. Review status: criteria provided, multiple submitters, no conflicts (2 of 4 stars). 3 submissions from 3 submitters: Likely benign (3). Last evaluated 2025-08-26.

Conditions:
Cardiomyopathy (CMYO). Also called: Cardiomyopathies. Identifiers: Orphanet 167848, MedGen C0878544, MONDO:0004994, HP:0001638. Inheritance: Various modes of inheritance.
Lethal congenital glycogen storage disease of heart. Also called: GLYCOGEN STORAGE DISEASE OF HEART; PHOSPHORYLASE KINASE DEFICIENCY OF HEART. Identifiers: Orphanet 439854, MedGen C1849813, MONDO:0009867, OMIM 261740.
Hypertrophic cardiomyopathy. Also called: HYPERTROPHIC MYOCARDIOPATHY. Identifiers: Orphanet 217569, MedGen C0007194, MeSH D002312, MONDO:0005045, HP:0001639.

Allele frequency attached by ClinVar (database versions not stated): gnomAD exomes below 0.00001.
gnomAD v4.1: 3 of 1,613,870 alleles (0.00019%); highest among the groups gnomAD compares: Non-Finnish European, 0.00025%; no homozygotes.

Submissions (3):

Labcorp Genetics (formerly Invitae), Labcorp
Classification: Likely benign for Lethal congenital glycogen storage disease of heart. Last evaluated: 2025-08-26. Review status: criteria provided, single submitter. Criteria: Invitae Variant Classification Sherloc (09022015). Collection method: clinical testing. Allele origin: germline.

All of Us Research Program, National Institutes of Health
Classification: Likely benign for Hypertrophic cardiomyopathy. Last evaluated: 2024-01-11. Review status: criteria provided, single submitter. Criteria: ACMG Guidelines, 2015. Collection method: clinical testing. Allele origin: germline. Inheritance: Autosomal dominant inheritance. Observed: 1 variant allele, 1 heterozygote.
Comment: This study involves interpretation of variants in research participants for the purpose of population health screening. Participant phenotype was not available at the time of variant classification. Additional details can be found in publication PMID: 35346344, PMCID: PMC8962531

Color Diagnostics, LLC DBA Color Health
Classification: Likely benign for Cardiomyopathy. Last evaluated: 2022-05-23. Review status: criteria provided, single submitter. Criteria: ACMG Guidelines, 2015. Collection method: clinical testing. Allele origin: germline.

NM_016203.4(PRKAG2):c.1629T>A (p.Gly543=)

Gene: PRKAG2 (protein kinase AMP-activated non-catalytic subunit gamma 2; minus strand). Cytogenetic location: 7q36.1.
Variant type: single nucleotide variant.
Coding change: c.1629T>A on transcript NM_016203.4 (MANE Select); coding-DNA position 1629, T replaced by A.
Protein change: p.Gly543=; no amino-acid change (glycine 543 retained).
Molecular consequence: synonymous variant.
Genome position (GRCh38, 1-based): chr7:151,560,573, A>T on the plus strand (T>A on the coding strand, the complement: PRKAG2 is on the minus strand). VCF-style: chr7-151560573-A-T. GRCh37 (hg19) VCF-style: chr7-151257659-A-T.
Other names: c.1254T>A, p.Gly418= (NM_001304527.2); c.906T>A, p.Gly302= (NM_001304531.2, NM_024429.2); c.1257T>A, p.Gly419= (NM_001363698.2); c.1497T>A, p.Gly499= (NM_001040633.2).
Identifiers: ClinVar variation 1119240 (VCV001119240.12), dbSNP rs1258497596, ClinGen allele CA458662298.